The following is an entry in ClinVar:

ClinVar aggregate classification (germline): Uncertain significance (1 of 4 stars; one submission).

Conditions:
Early-infantile DEE. Also called: Early infantile epileptic encephalopathy; Early infantile epileptic encephalopathy with suppression bursts; Ohtahara syndrome. Identifiers: Orphanet 1934, MedGen C0393706, MONDO:0800491.

Allele frequency attached by ClinVar (database versions not stated): gnomAD exomes below 0.00001; TOPMed below 0.00001; gnomAD 0.00001.
gnomAD v4.1: 2 of 1,612,696 alleles (0.00012%); highest among the groups gnomAD compares: African/African-American, 0.0027%; no homozygotes.

Submission:

Labcorp Genetics (formerly Invitae), Labcorp
Classification: Uncertain significance for Early-infantile DEE. Last evaluated: 2020-04-24. Review status: criteria provided, single submitter. Criteria: Invitae Variant Classification Sherloc (09022015). Collection method: clinical testing. Allele origin: germline.
Comment: This sequence change replaces serine with phenylalanine at codon 266 of the SLC25A22 protein (p.Ser266Phe). The serine residue is moderately conserved and there is a large physicochemical difference between serine and phenylalanine. This variant is not present in population databases (ExAC no frequency) and has not been reported in the literature in individuals with a SLC25A22-related disease. Algorithms developed to predict the effect of missense changes on protein structure and function do not agree on the potential impact of this missense change (SIFT: "Deleterious"; PolyPhen-2: "Possibly Damaging"; Align-GVGD: "Class C0"). In summary, this variant is a novel missense change with uncertain impact on protein function. It has been classified as a Variant of Uncertain Significance.

NM_001191061.2(SLC25A22):c.797C>T (p.Ser266Phe)

Gene: SLC25A22 (solute carrier family 25 member 22; minus strand). Cytogenetic location: 11p15.5.
Variant type: single nucleotide variant.
Coding change: c.797C>T on transcript NM_001191061.2 (MANE Select); coding-DNA position 797, C replaced by T.
Protein change: p.Ser266Phe; replaces serine 266 with phenylalanine.
Molecular consequence: missense variant.
Genome position (GRCh38, 1-based): chr11:792,163, G>A on the plus strand (C>T on the coding strand, the complement: SLC25A22 is on the minus strand). VCF-style: chr11-792163-G-A. GRCh37 (hg19) VCF-style: chr11-792163-G-A.
Other names: c.797C>T, p.Ser266Phe (NM_001191060.2, NM_024698.6); short protein forms S266F.
Identifiers: ClinVar variation 461379 (VCV000461379.9), dbSNP rs939554287, ClinGen allele CA216993160.